The following is an entry in ClinVar:

NM_000317.3(PTS):c.46C>T (p.Arg16Cys)

Genes: PTS (6-pyruvoyltetrahydropterin synthase; plus strand), LOC130006765 (ATAC-STARR-seq lymphoblastoid silent region 3906; plus strand). Cytogenetic location: 11q23.1.
Variant type: single nucleotide variant.
Coding change: c.46C>T on transcript NM_000317.3 (MANE Select); coding-DNA position 46, C replaced by T.
Protein change: p.Arg16Cys; replaces arginine 16 with cysteine.
Molecular consequence: missense variant.
Genome position (GRCh38, 1-based): chr11:112,226,489, C>T. VCF-style: chr11-112226489-C-T. GRCh37 (hg19) VCF-style: chr11-112097212-C-T.
Other names: short protein forms R16C.
Identifiers: ClinVar variation 477 (VCV000000477.8), dbSNP rs104894274, ClinGen allele CA114317.

ClinVar aggregate classification (germline): Likely pathogenic. Review status: criteria provided, multiple submitters, no conflicts (2 of 4 stars). 3 submissions from 3 submitters: Likely pathogenic (2). 1 of the submissions does not count toward it. Last evaluated 2026-01-23.

Conditions:
Hyperphenylalaninemia, bh4-deficient, a, due to partial pts deficiency. Identifiers: MedGen C4017280.
6-Pyruvoyl-tetrahydrobiopterin synthase deficiency. Also called: Hyperphenylalanemia, BH4-deficient, A; Hyperphenylalaninemia due to 6-pyruvoyl-tetrahydropterin synthase deficiency; BH4-deficient hyperphenylalaninemia A; PTS DEFICIENCY; HYPERPHENYLALANINEMIA, TETRAHYDROBIOPTERIN-DEFICIENT, DUE TO PTS DEFICIENCY; PTS-Related Tetrahydrobiopterin Deficiency. Identifiers: Orphanet 13, Orphanet 238583, MedGen C0878676, MONDO:0009863, OMIM 261640.

Allele frequency attached by ClinVar (database versions not stated): gnomAD exomes 0.00003 and 0.00002; TOPMed below 0.00001; ExAC 0.00003; gnomAD 0.00001.
gnomAD v4.1: 47 of 1,586,340 alleles (0.003%); highest among the groups gnomAD compares: Non-Finnish European, 0.0038%; no homozygotes.

Submissions (3):

Natera, Inc.
Classification: Likely pathogenic for 6-Pyruvoyl-tetrahydrobiopterin synthase deficiency. Last evaluated: 2026-01-23. Review status: criteria provided, single submitter. Criteria: Natera Variant Classification Schema (03/2026). Collection method: clinical testing. Allele origin: germline.
Comment: The c.46C>T variant in PTS is a missense variant predicted to cause substitution of arginine to cysteine at amino acid 16. This variant is rare in the general population with a frequency below the threshold expected for the associated phenotype(s). This variant has been observed in one or more individuals affected with the associated recessive disease, as either homozygous or compound heterozygous with a second variant (PMID: 8178819). Functional studies show that this variant may disrupt protein function (PMID: 7493990). Computational prediction algorithms indicate this variant is likely to affect gene or protein function. Given the available evidence, this variant is classified as Likely Pathogenic.

Baylor Genetics
Classification: Likely pathogenic for 6-Pyruvoyl-tetrahydrobiopterin synthase deficiency. Last evaluated: 2024-03-18. Review status: criteria provided, single submitter. Criteria: ACMG Guidelines, 2015. Collection method: clinical testing. Allele origin: unknown.

OMIM
Classification: Pathogenic for HYPERPHENYLALANINEMIA, BH4-DEFICIENT, A, DUE TO PARTIAL PTS DEFICIENCY. Last evaluated: 1994-05-01. Review status: no assertion criteria provided. Collection method: literature only. Allele origin: germline. Not counted in ClinVar's aggregate classification.

Literature cited by the submitters: PubMed 8178819 (cited by Natera, Inc. and OMIM); PubMed 7493990 (cited by Natera, Inc.).